The following is an entry in ClinVar:

ClinVar aggregate classification (germline): Uncertain significance (1 of 4 stars; one submission).

Allele frequency attached by ClinVar (database versions not stated): TOPMed below 0.00001; gnomAD 0.00001.

Submission:

Labcorp Genetics (formerly Invitae), Labcorp
Classification: Uncertain significance. Last evaluated: 2022-08-05. Review status: criteria provided, single submitter. Criteria: Invitae Variant Classification Sherloc (09022015). Collection method: clinical testing. Allele origin: germline.
Comment: This sequence change replaces methionine, which is neutral and non-polar, with valine, which is neutral and non-polar, at codon 188 of the MUT protein (p.Met188Val). This variant is not present in population databases (gnomAD no frequency). This variant has not been reported in the literature in individuals affected with MUT-related conditions. ClinVar contains an entry for this variant (Variation ID: 1420775). Algorithms developed to predict the effect of missense changes on protein structure and function are either unavailable or do not agree on the potential impact of this missense change (SIFT: "Deleterious"; PolyPhen-2: "Probably Damaging"; Align-GVGD: "Class C0"). In summary, the available evidence is currently insufficient to determine the role of this variant in disease. Therefore, it has been classified as a Variant of Uncertain Significance.

NM_000255.4(MMUT):c.562A>G (p.Met188Val)

Gene: MMUT (methylmalonyl-CoA mutase; minus strand). Cytogenetic location: 6p12.3.
Variant type: single nucleotide variant.
Coding change: c.562A>G on transcript NM_000255.4 (MANE Select); coding-DNA position 562, A replaced by G.
Protein change: p.Met188Val; replaces methionine 188 with valine.
Molecular consequence: missense variant.
Genome position (GRCh38, 1-based): chr6:49,457,882, T>C on the plus strand (A>G on the coding strand, the complement: MMUT is on the minus strand). VCF-style: chr6-49457882-T-C. GRCh37 (hg19) VCF-style: chr6-49425595-T-C.
Other names: short protein forms M188V.
Identifiers: ClinVar variation 1420775 (VCV001420775.3), dbSNP rs1468970345, ClinGen allele CA364404460.
Genomic context (GRCh38, chr6:49,457,882, plus strand): 5'-CACCTTGTTCTTCTCCAGTTACTATAAAATTTGCAAGAACTGGAATAACTGCTCCATTCA[T>C]AGTCATGGAAACTGACATTTTTTCTAAAGGAATTCCATCAAAAAGAATTTTGGTATCTTC-3'
Protein context (NP_000246.2, residues 178-198): PLEKMSVSMT[Met188Val]NGAVIPVLAN